The following is an entry in ClinVar:

ClinVar aggregate classification (germline): Likely benign (1 of 4 stars; one submission).

Submission:

CeGaT Center for Human Genetics Tuebingen
Classification: Likely benign. Last evaluated: 2025-08-01. Review status: criteria provided, single submitter. Criteria: CeGaT Center For Human Genetics Tuebingen Variant Classification Criteria Version 2. Collection method: clinical testing. Allele origin: germline. Affected: yes. Observed: 1 variant allele.
Comment: PTCH1: PM2:Supporting, BP4, BP7

NM_000264.5(PTCH1):c.3141T>C (p.Leu1047=)

Gene: PTCH1 (patched 1; minus strand). Cytogenetic location: 9q22.32.
Variant type: single nucleotide variant.
Coding change: c.3141T>C on transcript NM_000264.5 (MANE Select); coding-DNA position 3141, T replaced by C.
Protein change: p.Leu1047=; no amino-acid change (leucine 1047 retained).
Molecular consequence: synonymous variant. On other transcripts: non-coding transcript variant (1).
Genome position (GRCh38, 1-based): chr9:95,458,040, A>G on the plus strand (T>C on the coding strand, the complement: PTCH1 is on the minus strand). VCF-style: chr9-95458040-A-G. GRCh37 (hg19) VCF-style: chr9-98220322-A-G.
Other names: c.2943T>C, p.Leu981= (NM_001083602.3); c.3138T>C, p.Leu1046= (NM_001083603.3); c.2688T>C, p.Leu896= (NM_001083604.3, NM_001083605.3, NM_001083606.3 and 1 more transcripts); c.2985T>C, p.Leu995= (NM_001354918.2).
Identifiers: ClinVar variation 4085722 (VCV004085722.8).